The following is an entry in ClinVar:

NM_004187.5(KDM5C):c.3049C>T (p.Pro1017Ser)

Gene: KDM5C (lysine demethylase 5C; minus strand). Cytogenetic location: Xp11.22.
Variant type: single nucleotide variant.
Coding change: c.3049C>T on transcript NM_004187.5 (MANE Select); coding-DNA position 3049, C replaced by T.
Protein change: p.Pro1017Ser; replaces proline 1017 with serine.
Molecular consequence: missense variant. On other transcripts: non-coding transcript variant (3).
Genome position (GRCh38, 1-based): chrX:53,195,987, G>A on the plus strand (C>T on the coding strand, the complement: KDM5C is on the minus strand). VCF-style: chrX-53195987-G-A. GRCh37 (hg19) VCF-style: chrX-53225169-G-A.
Other names: c.3046C>T, p.Pro1016Ser (NM_001282622.3, NM_001353979.2, NM_001353982.2); c.3049C>T, p.Pro1017Ser (NM_001353978.3, NM_001353981.2, NM_001353984.2); c.2848C>T, p.Pro950Ser (NM_001146702.2); short protein forms P1016S, P1017S, P950S.
Identifiers: ClinVar variation 1197497 (VCV001197497.2), dbSNP rs2146833500, ClinGen allele CA413111520.

ClinVar aggregate classification (germline): Uncertain significance (1 of 4 stars; one submission).

Allele frequency attached by ClinVar (database versions not stated): gnomAD exomes below 0.00001.
gnomAD v4.1: 2 of 1,211,349 alleles (0.00017%); highest among the groups gnomAD compares: Admixed American, 0.0043%; no homozygotes.

Submission:

GeneDx
Classification: Uncertain significance. Last evaluated: 2020-08-21. Review status: criteria provided, single submitter. Criteria: GeneDx Variant Classification Process June 2021. Collection method: clinical testing. Allele origin: germline. Affected: yes.
Comment: Not observed in large population cohorts (Lek et al., 2016); In silico analysis supports that this missense variant has a deleterious effect on protein structure/function; Has not been previously published as pathogenic or benign to our knowledge